The following is an entry in ClinVar:

NM_005422.4(TECTA):c.6162C>T (p.Ile2054=)

Genes: TBCEL-TECTA (TBCEL-TECTA readthrough; plus strand), TECTA (tectorin alpha; plus strand). Cytogenetic location: 11q23.3.
Variant type: single nucleotide variant.
Coding change: c.6162C>T on transcript NM_005422.4 (MANE Select); coding-DNA position 6162, C replaced by T.
Protein change: p.Ile2054=; no amino-acid change (isoleucine 2054 retained).
Molecular consequence: synonymous variant.
Genome position (GRCh38, 1-based): chr11:121,187,994, C>T. VCF-style: chr11-121187994-C-T. GRCh37 (hg19) VCF-style: chr11-121058703-C-T.
Other names: c.7104C>T, p.Ile2368= (NM_001378761.1).
Identifiers: ClinVar variation 666928 (VCV000666928.12), dbSNP rs140608882, ClinGen allele CA6327893.
Genomic context (GRCh38, chr11:121,187,994, plus strand): 5'-CGAAGTTCACCTTCACTGTGCAGTGTCACTCTGCGACTCAGAAAAGTACTCCTGTAAAAT[C>T]GTAAGTGAGAGTGTGAAAACAAAGTGCTTAGCCTTATTTCTCACTGTCTTGGTTTCCCAA-3'
Protein context (NP_005413.2, residues 2044-2064): LCDSEKYSCK[Ile2054=]TCPHNSRIAT

ClinVar aggregate classification (germline): Conflicting classifications of pathogenicity. Review status: criteria provided, conflicting classifications (1 of 4 stars). 3 submissions from 3 submitters: Uncertain significance (2); Likely benign (1). Last evaluated 2025-12-10.

Allele frequency attached by ClinVar (database versions not stated): ESP Exome Variant Server 0.00008; gnomAD 0.00014 and 0.00021; TOPMed 0.00014; gnomAD exomes 0.00024 and 0.00035; ExAC 0.00045; 1000 Genomes Project 0.00080; 1000 Genomes Project 30x 0.00094.
gnomAD v4.1: 381 of 1,614,072 alleles (0.024%); highest among the groups gnomAD compares: South Asian, 0.15%; 2 homozygotes.

Submissions (3):

Labcorp Genetics (formerly Invitae), Labcorp
Classification: Uncertain significance. Last evaluated: 2025-12-10. Review status: criteria provided, single submitter. Criteria: Invitae Variant Classification Sherloc (09022015). Collection method: clinical testing. Allele origin: germline.
Comment: This sequence change affects codon 2054 of the TECTA mRNA. It is a 'silent' change, meaning that it does not change the encoded amino acid sequence of the TECTA protein. It affects a nucleotide within the consensus splice site. This variant is present in population databases (rs140608882, gnomAD 0.2%). This variant has not been reported in the literature in individuals affected with TECTA-related conditions. ClinVar contains an entry for this variant (Variation ID: 666928). Algorithms developed to predict the effect of sequence changes on RNA splicing suggest that this variant is not likely to affect RNA splicing. In summary, the available evidence is currently insufficient to determine the role of this variant in disease. Therefore, it has been classified as a Variant of Uncertain Significance.

GeneDx
Classification: Likely benign. Last evaluated: 2020-11-17. Review status: criteria provided, single submitter. Criteria: GeneDx Variant Classification Process June 2021. Collection method: clinical testing. Allele origin: germline. Affected: yes.

Laboratory for Molecular Medicine, Mass General Brigham Personalized Medicine
Classification: Uncertain significance. Last evaluated: 2018-04-10. Review status: criteria provided, single submitter. Criteria: LMM Criteria. Collection method: clinical testing. Allele origin: germline. Observed: 1 variant allele.
Comment: Variant classified as Uncertain Significance - Favor Benign. The p.Ile2054Ile va riant in TECTA has not been previously reported in individuals with hearing loss , but has been identified in 0.17% (53/30772) of South Asian (dbSNP rs140608882). Although this variant has been seen in the g eneral population, its frequency is not high enough to rule out a pathogenic rol e. This variant is located in the last three base of the exon, which is part of the 5' splice region. Computational tools do not suggest an impact to splicing. However, this information is not predictive enough to rule out pathogenicity. In summary, while the clinical significance of the p.Ile2054Ile variant is uncert ain, these data suggest that it is more likely to be benign. ACMG/AMP Criteria applied: BS1_Supporting, BP4.